The following is an entry in ClinVar:

NM_000078.3(CETP):c.316G>A (p.Val106Met)

Gene: CETP (cholesteryl ester transfer protein; plus strand). Cytogenetic location: 16q13.
Variant type: single nucleotide variant.
Coding change: c.316G>A on transcript NM_000078.3 (MANE Select); coding-DNA position 316, G replaced by A.
Protein change: p.Val106Met; replaces valine 106 with methionine.
Molecular consequence: missense variant.
Genome position (GRCh38, 1-based): chr16:56,969,468, G>A. VCF-style: chr16-56969468-G-A. GRCh37 (hg19) VCF-style: chr16-57003380-G-A.
Other names: c.316G>A, p.Val106Met (NM_001286085.2); short protein forms V106M.
Identifiers: ClinVar variation 319976 (VCV000319976.11), dbSNP rs371258270, ClinGen allele CA8070867.

ClinVar aggregate classification (germline): Conflicting classifications of pathogenicity. Review status: criteria provided, conflicting classifications (1 of 4 stars). 4 submissions from 4 submitters: Uncertain significance (3); Benign (1). Last evaluated 2024-11-13.

Conditions:
Hyperalphalipoproteinemia 1 (HALP1). Also called: CETP-Related Hyperalphalipoproteinemia; CETP DEFICIENCY. Identifiers: MedGen C3149462, OMIM 143470.

Allele frequency attached by ClinVar (database versions not stated): ExAC 0.00002; gnomAD exomes 0.00004; ESP Exome Variant Server 0.00008; 1000 Genomes Project 30x 0.00016; gnomAD 0.00019; 1000 Genomes Project 0.00020; TOPMed 0.00020.
gnomAD v4.1: 78 of 1,614,214 alleles (0.0048%); highest among the groups gnomAD compares: African/African-American, 0.051%; no homozygotes.

Submissions (4):

Ambry Genetics
Classification: Uncertain significance. Last evaluated: 2024-11-13. Review status: criteria provided, single submitter. Criteria: Ambry Variant Classification Scheme 2023. Collection method: clinical testing. Allele origin: germline.

Labcorp Genetics (formerly Invitae), Labcorp
Classification: Uncertain significance. Last evaluated: 2023-12-30. Review status: criteria provided, single submitter. Criteria: Invitae Variant Classification Sherloc (09022015). Collection method: clinical testing. Allele origin: germline.
Comment: This sequence change replaces valine, which is neutral and non-polar, with methionine, which is neutral and non-polar, at codon 106 of the CETP protein (p.Val106Met). This variant is present in population databases (rs371258270, gnomAD 0.04%), and has an allele count higher than expected for a pathogenic variant. This variant has not been reported in the literature in individuals affected with CETP-related conditions. ClinVar contains an entry for this variant (Variation ID: 319976). Advanced modeling of protein sequence and biophysical properties (such as structural, functional, and spatial information, amino acid conservation, physicochemical variation, residue mobility, and thermodynamic stability) performed at Invitae indicates that this missense variant is not expected to disrupt CETP protein function with a negative predictive value of 80%. In summary, the available evidence is currently insufficient to determine the role of this variant in disease. Therefore, it has been classified as a Variant of Uncertain Significance.

GeneDx
Classification: Uncertain significance. Last evaluated: 2023-04-18. Review status: criteria provided, single submitter. Criteria: GeneDx Variant Classification Process June 2021. Collection method: clinical testing. Allele origin: germline. Affected: yes.
Comment: Has not been previously published as pathogenic or benign to our knowledge; In silico analysis supports that this missense variant does not alter protein structure/function

Illumina Laboratory Services, Illumina
Classification: Benign for Hyperalphalipoproteinemia 1. Last evaluated: 2018-01-13. Review status: criteria provided, single submitter. Criteria: ICSL Variant Classification Criteria 13 December 2019. Collection method: clinical testing. Allele origin: germline.
Comment: This variant was observed in the ICSL laboratory as part of a predisposition screen in an ostensibly healthy population. It had not been previously curated by ICSL or reported in the Human Gene Mutation Database (HGMD: prior to June 1st, 2018), and was therefore a candidate for classification through an automated scoring system. Utilizing variant allele frequency, disease prevalence and penetrance estimates, and inheritance mode, an automated score was calculated to assess if this variant is too frequent to cause the disease. Based on the score and internal cut-off values, a variant classified as benign is not then subjected to further curation. The score for this variant resulted in a classification of benign for this disease.